The following is an entry in ClinVar:

NM_000135.4(FANCA):c.1865G>C (p.Cys622Ser)

Gene: FANCA (FA complementation group A; minus strand). Cytogenetic location: 16q24.3.
Variant type: single nucleotide variant.
Coding change: c.1865G>C on transcript NM_000135.4 (MANE Select); coding-DNA position 1865, G replaced by C.
Protein change: p.Cys622Ser; replaces cysteine 622 with serine.
Molecular consequence: missense variant.
Genome position (GRCh38, 1-based): chr16:89,775,777, C>G on the plus strand (G>C on the coding strand, the complement: FANCA is on the minus strand). VCF-style: chr16-89775777-C-G. GRCh37 (hg19) VCF-style: chr16-89842185-C-G.
Other names: c.1865G>C, p.Cys622Ser (NM_001286167.3); short protein forms C622S.
Identifiers: ClinVar variation 4022166 (VCV004022166.1).

ClinVar aggregate classification (germline): Uncertain significance (1 of 4 stars; one submission).

Conditions:
Inborn genetic diseases. Identifiers: MedGen C0950123, MeSH D030342.

gnomAD v4.1: 1 of 1,612,802 alleles (0.000062%); highest among the groups gnomAD compares: African/African-American, 0.0013%; no homozygotes.

Submission:

Ambry Genetics
Classification: Uncertain significance for Inborn genetic diseases. Last evaluated: 2025-04-06. Review status: criteria provided, single submitter. Criteria: Ambry Variant Classification Scheme 2023. Collection method: clinical testing. Allele origin: germline.
Comment: The p.C622S variant (also known as c.1865G>C), located in coding exon 21 of the FANCA gene, results from a G to C substitution at nucleotide position 1865. The cysteine at codon 622 is replaced by serine, an amino acid with dissimilar properties. This amino acid position is conserved. In addition, this alteration is predicted to be tolerated by in silico analysis. Based on the available evidence, the clinical significance of this variant remains unclear.